The following is an entry in ClinVar:

ClinVar aggregate classification (germline): Benign/Likely benign. Review status: criteria provided, multiple submitters, no conflicts (2 of 4 stars). 7 submissions from 7 submitters: Benign (2); Likely benign (3). 2 of the submissions do not count toward it. Last evaluated 2026-01-27.

Conditions:
Retinitis pigmentosa (RP). Identifiers: Orphanet 791, MedGen C0035334, MeSH D012174, MONDO:0019200, OMIM 268000. Inheritance: Autosomal dominant, autosomal recessive and X linked inheritance.

Allele frequency attached by ClinVar (database versions not stated): 1000 Genomes Project 0.00240; 1000 Genomes Project 30x 0.00265; TOPMed 0.00267; ESP Exome Variant Server 0.00269; ExAC 0.00289; gnomAD 0.00289 and 0.00295; gnomAD exomes 0.00301 and 0.00487.
gnomAD v4.1: 7,589 of 1,614,230 alleles (0.47%); highest among the groups gnomAD compares: Non-Finnish European, 0.56%; 33 homozygotes.

Submissions (7):

Labcorp Genetics (formerly Invitae), Labcorp
Classification: Benign. Last evaluated: 2026-01-27. Review status: criteria provided, single submitter. Criteria: Invitae Variant Classification Sherloc (09022015). Collection method: clinical testing. Allele origin: germline.

CeGaT Center for Human Genetics Tuebingen
Classification: Benign. Last evaluated: 2025-05-01. Review status: criteria provided, single submitter. Criteria: CeGaT Center For Human Genetics Tuebingen Variant Classification Criteria Version 2. Collection method: clinical testing. Allele origin: germline. Affected: yes. Observed: 4 variant alleles.
Comment: SNRNP200: BP4, BP7, BS1, BS2

Blueprint Genetics
Classification: Likely benign. Last evaluated: 2024-11-26. Review status: criteria provided, single submitter. Criteria: ACMG Guidelines, 2015. Collection method: clinical testing. Allele origin: germline.

Illumina Laboratory Services, Illumina
Classification: Likely benign for Retinitis pigmentosa. Last evaluated: 2018-01-13. Review status: criteria provided, single submitter. Criteria: ICSL Variant Classification Criteria 13 December 2019. Collection method: clinical testing. Allele origin: germline.
Comment: This variant was observed in the ICSL laboratory as part of a predisposition screen in an ostensibly healthy population. It had not been previously curated by ICSL or reported in the Human Gene Mutation Database (HGMD: prior to June 1st, 2018), and was therefore a candidate for classification through an automated scoring system. Utilizing variant allele frequency, disease prevalence and penetrance estimates, and inheritance mode, an automated score was calculated to assess if this variant is too frequent to cause the disease. Based on the score and internal cut-off values, a variant classified as likely benign is not then subjected to further curation. The score for this variant resulted in a classification of likely benign for this disease.

Eurofins Ntd Llc (ga)
Classification: Likely benign. Last evaluated: 2015-03-31. Review status: criteria provided, single submitter. Criteria: EGL Classification Definitions 2015. Collection method: clinical testing. Allele origin: germline. Observed: 1 variant allele, 1 heterozygote.

Clinical Genetics DNA and cytogenetics Diagnostics Lab, Erasmus MC, Erasmus Medical Center
Classification: Likely benign. Review status: no assertion criteria provided. Collection method: clinical testing. Allele origin: germline. Affected: yes. Study: VKGL Data-share Consensus. Not counted in ClinVar's aggregate classification.

Clinical Genetics, Academic Medical Center
Classification: Likely benign. Review status: no assertion criteria provided. Collection method: clinical testing. Allele origin: germline. Affected: yes. Study: VKGL Data-share Consensus. Not counted in ClinVar's aggregate classification.

NM_014014.5(SNRNP200):c.5664C>T (p.His1888=)

Gene: SNRNP200 (small nuclear ribonucleoprotein U5 subunit 200; minus strand). Cytogenetic location: 2q11.2.
Variant type: single nucleotide variant.
Coding change: c.5664C>T on transcript NM_014014.5 (MANE Select); coding-DNA position 5664, C replaced by T.
Protein change: p.His1888=; no amino-acid change (histidine 1888 retained).
Molecular consequence: synonymous variant.
Genome position (GRCh38, 1-based): chr2:96,277,897, G>A on the plus strand (C>T on the coding strand, the complement: SNRNP200 is on the minus strand). VCF-style: chr2-96277897-G-A. GRCh37 (hg19) VCF-style: chr2-96943635-G-A.
Identifiers: ClinVar variation 197419 (VCV000197419.47), dbSNP rs139731897, ClinGen allele CA202884.